The following is an entry in ClinVar:

NM_000289.6(PFKM):c.1772A>C (p.Asp591Ala)

Gene: PFKM (phosphofructokinase, muscle; plus strand). Cytogenetic location: 12q13.11.
Variant type: single nucleotide variant.
Coding change: c.1772A>C on transcript NM_000289.6 (MANE Select); coding-DNA position 1772, A replaced by C.
Protein change: p.Asp591Ala; replaces aspartic acid 591 with alanine.
Molecular consequence: missense variant. On other transcripts: non-coding transcript variant (6).
Genome position (GRCh38, 1-based): chr12:48,142,900, A>C. VCF-style: chr12-48142900-A-C. GRCh37 (hg19) VCF-style: chr12-48536683-A-C.
Other names: c.1985A>C, p.Asp662Ala (NM_001166686.2, NM_001354737.1, NM_001354738.1 and 1 more transcripts); c.1772A>C, p.Asp591Ala (NM_001166687.2, NM_001166688.2, NM_001354742.2 and 2 more transcripts); c.2081A>C, p.Asp694Ala (NM_001354735.1, NM_001354736.1); c.1916A>C, p.Asp639Ala (NM_001354740.1); c.1796A>C, p.Asp599Ala (NM_001354741.2); c.1685A>C, p.Asp562Ala (NM_001354745.2); c.1646A>C, p.Asp549Ala (NM_001354746.2); c.1622A>C, p.Asp541Ala (NM_001354747.2, NM_001354748.2); and 1 more; short protein forms D541A, D591A, D599A, D639A, D562A, D694A, D549A, D560A.
Identifiers: ClinVar variation 2735847 (VCV002735847.3), dbSNP rs745375312, ClinGen allele CA384554391.

ClinVar aggregate classification (germline): Likely pathogenic (1 of 4 stars; one submission).

Conditions:
Glycogen storage disease, type VII (GSD7). Also called: GSD VII; MUSCLE PHOSPHOFRUCTOKINASE DEFICIENCY; PFKM DEFICIENCY; TARUI DISEASE. Identifiers: Orphanet 371, MedGen C0017926, MONDO:0009295, OMIM 232800.

Submission:

Labcorp Genetics (formerly Invitae), Labcorp
Classification: Likely pathogenic for Glycogen storage disease, type VII. Last evaluated: 2023-02-16. Review status: criteria provided, single submitter. Criteria: Invitae Variant Classification Sherloc (09022015). Collection method: clinical testing. Allele origin: germline.
Comment: This sequence change replaces aspartic acid, which is acidic and polar, with alanine, which is neutral and non-polar, at codon 591 of the PFKM protein (p.Asp591Ala). This variant is not present in population databases (gnomAD no frequency). This missense change has been observed in individual(s) with PFKM-related conditions (PMID: 22133655). In at least one individual the data is consistent with being in trans (on the opposite chromosome) from a pathogenic variant. Advanced modeling of protein sequence and biophysical properties (such as structural, functional, and spatial information, amino acid conservation, physicochemical variation, residue mobility, and thermodynamic stability) performed at Invitae indicates that this missense variant is expected to disrupt PFKM protein function. In summary, the currently available evidence indicates that the variant is pathogenic, but additional data are needed to prove that conclusively. Therefore, this variant has been classified as Likely Pathogenic.

Literature cited by the submitters: PubMed 22133655.